The following is an entry in ClinVar:

NM_001271.4(CHD2):c.5242C>T (p.Arg1748Cys)

Gene: CHD2 (chromodomain helicase DNA binding protein 2; plus strand). Cytogenetic location: 15q26.1.
Variant type: single nucleotide variant.
Coding change: c.5242C>T on transcript NM_001271.4 (MANE Select); coding-DNA position 5242, C replaced by T.
Protein change: p.Arg1748Cys; replaces arginine 1748 with cysteine.
Molecular consequence: missense variant.
Genome position (GRCh38, 1-based): chr15:93,024,460, C>T. VCF-style: chr15-93024460-C-T. GRCh37 (hg19) VCF-style: chr15-93567690-C-T.
Other names: short protein forms R1748C.
Identifiers: ClinVar variation 846565 (VCV000846565.14), dbSNP rs767099765, ClinGen allele CA7748706.

ClinVar aggregate classification (germline): Uncertain significance. Review status: criteria provided, multiple submitters, no conflicts (2 of 4 stars). 3 submissions from 3 submitters: Uncertain significance (3). Last evaluated 2024-04-17.

Conditions:
Developmental and epileptic encephalopathy 94 (DEE94). Also called: Epileptic encephalopathy, childhood-onset; CHD2-Related Neurodevelopmental Disorders. Identifiers: Orphanet 1942, Orphanet 2382, MedGen C3809278, MONDO:0014150, OMIM 615369.

Allele frequency attached by ClinVar (database versions not stated): gnomAD 0.00001; gnomAD exomes 0.00001 and 0.00003; ExAC 0.00002; TOPMed 0.00002.
gnomAD v4.1: 22 of 1,614,052 alleles (0.0014%); highest among the groups gnomAD compares: South Asian, 0.0022%; no homozygotes.

Submissions (3):

Labcorp Genetics (formerly Invitae), Labcorp
Classification: Uncertain significance for Developmental and epileptic encephalopathy 94. Last evaluated: 2024-04-17. Review status: criteria provided, single submitter. Criteria: Invitae Variant Classification Sherloc (09022015). Collection method: clinical testing. Allele origin: germline.
Comment: This sequence change replaces arginine, which is basic and polar, with cysteine, which is neutral and slightly polar, at codon 1748 of the CHD2 protein (p.Arg1748Cys). This variant is present in population databases (rs767099765, gnomAD 0.005%). This variant has not been reported in the literature in individuals affected with CHD2-related conditions. ClinVar contains an entry for this variant (Variation ID: 846565). Advanced modeling of protein sequence and biophysical properties (such as structural, functional, and spatial information, amino acid conservation, physicochemical variation, residue mobility, and thermodynamic stability) performed at Invitae indicates that this missense variant is not expected to disrupt CHD2 protein function with a negative predictive value of 95%. In summary, the available evidence is currently insufficient to determine the role of this variant in disease. Therefore, it has been classified as a Variant of Uncertain Significance.

Fulgent Genetics
Classification: Uncertain significance for Developmental and epileptic encephalopathy 94. Last evaluated: 2022-01-09. Review status: criteria provided, single submitter. Criteria: ACMG Guidelines, 2015. Collection method: clinical testing. Allele origin: unknown.

GeneDx
Classification: Uncertain significance. Last evaluated: 2021-04-05. Review status: criteria provided, single submitter. Criteria: GeneDx Variant Classification Process June 2021. Collection method: clinical testing. Allele origin: germline. Affected: yes.
Comment: In silico analysis, which includes protein predictors and evolutionary conservation, supports a deleterious effect; Has not been previously published as pathogenic or benign to our knowledge